The following is an entry in ClinVar:

NM_002972.4(SBF1):c.1203+6G>A

Gene: SBF1 (SET binding factor 1; minus strand). Cytogenetic location: 22q13.33.
Variant type: single nucleotide variant.
Coding change: c.1203+6G>A on transcript NM_002972.4 (MANE Select); 6 bases into the intron after coding-DNA position 1203, G replaced by A.
Molecular consequence: intron variant.
Genome position (GRCh38, 1-based): chr22:50,465,209, C>T on the plus strand (G>A on the coding strand, the complement: SBF1 is on the minus strand). VCF-style: chr22-50465209-C-T. GRCh37 (hg19) VCF-style: chr22-50903638-C-T.
Other names: c.1206+6G>A (NM_001365819.1).
Identifiers: ClinVar variation 1390258 (VCV001390258.4), dbSNP rs377184342, ClinGen allele CA10317792.
Genomic context (GRCh38, chr22:50,465,209, plus strand): 5'-CGGTCCCTCAGGGGTCTCCACCATGCGCTTATCTCCTACCCCACGCCCAGCCACCAGGCA[C>T]CCCACCTTATGGAAGCGGATGACAGGCTCCGGGTGGATGCGCACGACGTGCAGGCACCAG-3'

ClinVar aggregate classification (germline): Uncertain significance (1 of 4 stars; one submission).

Allele frequency attached by ClinVar (database versions not stated): gnomAD 0.00004 and 0.00005; gnomAD exomes 0.00006; TOPMed 0.00006; ESP Exome Variant Server 0.00008; ExAC 0.00009; 1000 Genomes Project 30x 0.00016; 1000 Genomes Project 0.00020.
gnomAD v4.1: 97 of 1,612,712 alleles (0.006%); highest among the groups gnomAD compares: East Asian, 0.18%; no homozygotes.

Submission:

Labcorp Genetics (formerly Invitae), Labcorp
Classification: Uncertain significance. Last evaluated: 2022-01-15. Review status: criteria provided, single submitter. Criteria: Invitae Variant Classification Sherloc (09022015). Collection method: clinical testing. Allele origin: germline.
Comment: In summary, the available evidence is currently insufficient to determine the role of this variant in disease. Therefore, it has been classified as a Variant of Uncertain Significance. Variants that disrupt the consensus splice site are a relatively common cause of aberrant splicing (PMID: 17576681, 9536098). Algorithms developed to predict the effect of sequence changes on RNA splicing suggest that this variant is not likely to affect RNA splicing. This variant has not been reported in the literature in individuals affected with SBF1-related conditions. This variant is present in population databases (rs377184342, gnomAD 0.07%). This sequence change falls in intron 11 of the SBF1 gene. It does not directly change the encoded amino acid sequence of the SBF1 protein. It affects a nucleotide within the consensus splice site.

Literature cited by the submitters: PubMed 17576681; PubMed 9536098.